The following is an entry in ClinVar:

ClinVar aggregate classification (germline): Uncertain significance (1 of 4 stars; one submission).

Allele frequency attached by ClinVar (database versions not stated): gnomAD 0.00001; gnomAD exomes 0.00001; TOPMed 0.00001; ExAC 0.00002.
gnomAD v4.1: 10 of 1,561,244 alleles (0.00064%); highest among the groups gnomAD compares: African/African-American, 0.0014%; no homozygotes.

Submission:

Labcorp Genetics (formerly Invitae), Labcorp
Classification: Uncertain significance. Last evaluated: 2023-10-13. Review status: criteria provided, single submitter. Criteria: Invitae Variant Classification Sherloc (09022015). Collection method: clinical testing. Allele origin: germline.
Comment: This sequence change falls in intron 2 of the LOX gene. It does not directly change the encoded amino acid sequence of the LOX protein. It affects a nucleotide within the consensus splice site. This variant is present in population databases (rs760721381, gnomAD 0.0009%). This variant has not been reported in the literature in individuals affected with LOX-related conditions. ClinVar contains an entry for this variant (Variation ID: 1927100). Variants that disrupt the consensus splice site are a relatively common cause of aberrant splicing (PMID: 17576681, 9536098). Algorithms developed to predict the effect of sequence changes on RNA splicing suggest that this variant is not likely to affect RNA splicing. In summary, the available evidence is currently insufficient to determine the role of this variant in disease. Therefore, it has been classified as a Variant of Uncertain Significance.

Literature cited by the submitters: PubMed 17576681; PubMed 9536098.

NM_002317.7(LOX):c.741-3C>T

Genes: LOX (lysyl oxidase; minus strand), SRFBP1 (serum response factor binding protein 1; plus strand). Cytogenetic location: 5q23.1.
Variant type: single nucleotide variant.
Coding change: c.741-3C>T on transcript NM_002317.7 (MANE Select); 3 bases into the intron before coding-DNA position 741, C replaced by T.
Molecular consequence: intron variant.
Genome position (GRCh38, 1-based): chr5:122,075,544, G>A on the plus strand (C>T on the coding strand, the complement: LOX is on the minus strand). VCF-style: chr5-122075544-G-A. GRCh37 (hg19) VCF-style: chr5-121411239-G-A.
Other names: c.51-3C>T (NM_001178102.2); c.-151-3C>T (NM_001317073.1).
Identifiers: ClinVar variation 1927100 (VCV001927100.5), dbSNP rs760721381, ClinGen allele CA3383941.
Genomic context (GRCh38, chr5:122,075,544, plus strand): 5'-GGGAAATCTGAGCAGCACCCTGTGATCATAATCTCTGACATCTGCCCTGTATGCTGTACT[G>A]TGATTTTGAAAAAAGAAAAATTATTATATTCATGGAATATTAACTAAAGACAAAACTACA-3'